The following is an entry in ClinVar:

NM_005633.4(SOS1):c.2575C>G (p.Leu859Val)

Gene: SOS1 (SOS Ras/Rac guanine nucleotide exchange factor 1; minus strand). Cytogenetic location: 2p22.1.
Variant type: single nucleotide variant.
Coding change: c.2575C>G on transcript NM_005633.4 (MANE Select); coding-DNA position 2575, C replaced by G.
Protein change: p.Leu859Val; replaces leucine 859 with valine.
Molecular consequence: missense variant.
Genome position (GRCh38, 1-based): chr2:39,007,129, G>C on the plus strand (C>G on the coding strand, the complement: SOS1 is on the minus strand). VCF-style: chr2-39007129-G-C. GRCh37 (hg19) VCF-style: chr2-39234270-G-C.
Other names: c.2554C>G, p.Leu852Val (NM_001382394.1); c.2575C>G, p.Leu859Val (NM_001382395.1); short protein forms L852V, L859V.
Identifiers: ClinVar variation 4864933 (VCV004864933.1).
Genomic context (GRCh38, chr2:39,007,129, plus strand): 5'-TCATAGCACTGACAACCTCAAGGACACCATTAAAGTTGTTCAACTCTTGAAAGACTTGTA[G>C]AATCTCAATAATTCGACTCACCACAGCTACTCTTTCTTCTAAATTTTCAGTTTCTACAAT-3'
Protein context (NP_005624.2, residues 849-869): VAVVSRIIEI[Leu859Val]QVFQELNNFN

ClinVar aggregate classification (germline): Uncertain significance (1 of 4 stars; one submission).

Conditions:
Cardiovascular phenotype. Identifiers: MedGen CN230736.

Submission:

Ambry Genetics
Classification: Uncertain significance for Cardiovascular phenotype. Last evaluated: 2026-03-19. Review status: criteria provided, single submitter. Criteria: Ambry Variant Classification Scheme 2023. Collection method: clinical testing. Allele origin: germline.
Comment: The p.L859V variant (also known as c.2575C>G), located in coding exon 16 of the SOS1 gene, results from a C to G substitution at nucleotide position 2575. The leucine at codon 859 is replaced by valine, an amino acid with highly similar properties. This amino acid position is conserved. In addition, this alteration is predicted to be tolerated by in silico analysis. Based on the available evidence, the clinical significance of this variant remains unclear.